The following is an entry in ClinVar:

NM_002576.5(PAK1):c.1384C>T (p.Pro462Ser)

Gene: PAK1 (p21 (RAC1) activated kinase 1; minus strand). Cytogenetic location: 11q13.5.
Variant type: single nucleotide variant.
Coding change: c.1384C>T on transcript NM_002576.5 (MANE Select); coding-DNA position 1384, C replaced by T.
Protein change: p.Pro462Ser; replaces proline 462 with serine.
Molecular consequence: missense variant. On other transcripts: non-coding transcript variant (2).
Genome position (GRCh38, 1-based): chr11:77,336,115, G>A on the plus strand (C>T on the coding strand, the complement: PAK1 is on the minus strand). VCF-style: chr11-77336115-G-A. GRCh37 (hg19) VCF-style: chr11-77047160-G-A.
Other names: c.1384C>T, p.Pro462Ser (NM_001128620.2, NM_001376268.1, NM_001376269.1 and 21 more transcripts); c.1405C>T, p.Pro469Ser (NM_001376272.1); c.1261C>T, p.Pro421Ser (NM_001376290.1, NM_001376291.1); c.1375C>T, p.Pro459Ser (NM_001376294.1); c.1207C>T, p.Pro403Ser (NM_001376295.1); c.1135C>T, p.Pro379Ser (NM_001376301.1); c.1090C>T, p.Pro364Ser (NM_001376302.1, NM_001376304.1, NM_001376305.1); c.1096C>T, p.Pro366Ser (NM_001376303.1); short protein forms P364S, P366S, P379S, P403S, P421S, P459S, P462S, P469S.
Identifiers: ClinVar variation 2500399 (VCV002500399.1), dbSNP rs2539943040, ClinGen allele CA382092878.

ClinVar aggregate classification (germline): Uncertain significance (1 of 4 stars; one submission).

Submission:

GeneDx
Classification: Uncertain significance. Last evaluated: 2022-11-01. Review status: criteria provided, single submitter. Criteria: GeneDx Variant Classification Process June 2021. Collection method: clinical testing. Allele origin: germline. Affected: yes.
Comment: Not observed at significant frequency in large population cohorts (gnomAD); In silico analysis supports that this missense variant has a deleterious effect on protein structure/function; Has not been previously published as pathogenic or benign to our knowledge